The following is an entry in ClinVar:

ClinVar aggregate classification (germline): Uncertain significance (1 of 4 stars; one submission).

Submission:

Labcorp Genetics (formerly Invitae), Labcorp
Classification: Uncertain significance. Last evaluated: 2025-05-19. Review status: criteria provided, single submitter. Criteria: Invitae Variant Classification Sherloc (09022015). Collection method: clinical testing. Allele origin: germline.
Comment: This sequence change replaces isoleucine, which is neutral and non-polar, with leucine, which is neutral and non-polar, at codon 149 of the TMEM126B protein (p.Ile149Leu). This variant is not present in population databases (gnomAD no frequency). This variant has not been reported in the literature in individuals affected with TMEM126B-related conditions. ClinVar contains an entry for this variant (Variation ID: 3726303). An algorithm developed to predict the effect of missense changes on protein structure and function outputs the following: PolyPhen-2: "Benign". The leucine amino acid residue is found in multiple mammalian species, which suggests that this missense change does not adversely affect protein function. In summary, the available evidence is currently insufficient to determine the role of this variant in disease. Therefore, it has been classified as a Variant of Uncertain Significance.

NM_018480.7(TMEM126B):c.445A>C (p.Ile149Leu)

Gene: TMEM126B (transmembrane protein 126B; plus strand). Cytogenetic location: 11q14.1.
Variant type: single nucleotide variant.
Coding change: c.445A>C on transcript NM_018480.7 (MANE Select); coding-DNA position 445, A replaced by C.
Protein change: p.Ile149Leu; replaces isoleucine 149 with leucine.
Molecular consequence: missense variant. On other transcripts: non-coding transcript variant (2).
Genome position (GRCh38, 1-based): chr11:85,635,714, A>C. VCF-style: chr11-85635714-A-C. GRCh37 (hg19) VCF-style: chr11-85346758-A-C.
Other names: c.385A>C, p.Ile129Leu (NM_001193537.3); c.355A>C, p.Ile119Leu (NM_001193538.3, NM_001256546.2); c.307A>C, p.Ile103Leu (NM_001256547.2); c.220A>C, p.Ile74Leu (NM_001350393.1); short protein forms I74L, I103L, I119L, I129L, I149L.
Identifiers: ClinVar variation 3726303 (VCV003726303.2).
Genomic context (GRCh38, chr11:85,635,714, plus strand): 5'-TTTTGTTTTCCAGATAATATAAGCAAGGAAAACTGTGTTTTCAGAAGCTCACTGATTGGC[A>C]TAGTTTGTGGTGTTTTCTATCCCAGTTCTTTGGCTTTTACTAAAAATGGACGCCTGGCAA-3'
Protein context (NP_060950.3, residues 139-159): NCVFRSSLIG[Ile149Leu]VCGVFYPSSL